The following is an entry in ClinVar:

NM_013432.5(TONSL):c.2070G>T (p.Glu690Asp)

Genes: TONSL (tonsoku like, DNA repair protein; minus strand), TONSL-AS1 (TONSL antisense RNA 1; plus strand). Cytogenetic location: 8q24.3.
Variant type: single nucleotide variant.
Coding change: c.2070G>T on transcript NM_013432.5 (MANE Select); coding-DNA position 2070, G replaced by T.
Protein change: p.Glu690Asp; replaces glutamic acid 690 with aspartic acid.
Molecular consequence: missense variant.
Genome position (GRCh38, 1-based): chr8:144,436,363, C>A on the plus strand (G>T on the coding strand, the complement: TONSL is on the minus strand). VCF-style: chr8-144436363-C-A. GRCh37 (hg19) VCF-style: chr8-145661746-C-A.
Other names: short protein forms E690D.
Identifiers: ClinVar variation 1932977 (VCV001932977.5), dbSNP rs1823458541, ClinGen allele CA372657994.

ClinVar aggregate classification (germline): Uncertain significance (1 of 4 stars; one submission).

Allele frequency attached by ClinVar (database versions not stated): TOPMed 0.00002; gnomAD exomes below 0.00001; gnomAD 0.00001.
gnomAD v4.1: 4 of 1,503,270 alleles (0.00027%); highest among the groups gnomAD compares: Admixed American, 0.0022%; no homozygotes.

Submission:

Labcorp Genetics (formerly Invitae), Labcorp
Classification: Uncertain significance. Last evaluated: 2022-05-30. Review status: criteria provided, single submitter. Criteria: Invitae Variant Classification Sherloc (09022015). Collection method: clinical testing. Allele origin: germline.
Comment: This variant has not been reported in the literature in individuals affected with TONSL-related conditions. This variant is not present in population databases (gnomAD no frequency). Algorithms developed to predict the effect of missense changes on protein structure and function are either unavailable or do not agree on the potential impact of this missense change (SIFT: "Tolerated"; PolyPhen-2: "Probably Damaging"; Align-GVGD: "Class C0"). In summary, the available evidence is currently insufficient to determine the role of this variant in disease. Therefore, it has been classified as a Variant of Uncertain Significance. This sequence change replaces glutamic acid, which is acidic and polar, with aspartic acid, which is acidic and polar, at codon 690 of the TONSL protein (p.Glu690Asp).